The following is an entry in ClinVar:

ClinVar aggregate classification (germline): Uncertain significance. Review status: criteria provided, multiple submitters, no conflicts (2 of 4 stars). 2 submissions from 2 submitters: Uncertain significance (2). Last evaluated 2025-05-26.

Conditions:
Inborn genetic diseases. Identifiers: MedGen C0950123, MeSH D030342.
Cone-rod dystrophy 6 (CORD6). Also called: Cone dystrophy progressive; RETINAL CONE DYSTROPHY 2. Identifiers: Orphanet 1872, MedGen C1866293, MONDO:0011143, OMIM 601777.
Leber congenital amaurosis 1 (LCA1). Also called: RETINAL BLINDNESS, CONGENITAL; AMAUROSIS CONGENITA OF LEBER I; Congenital absence of the rods and cones; Leber's congenital tapetoretinal degeneration; Leber's congenital tapetoretinal dysplasia. Identifiers: Orphanet 65, MedGen C2931258, MONDO:0008764, OMIM 204000.

Allele frequency attached by ClinVar (database versions not stated): gnomAD exomes below 0.00001; gnomAD 0.00001.
gnomAD v4.1: 5 of 1,565,022 alleles (0.00032%); highest among the groups gnomAD compares: Non-Finnish European, 0.00035%; no homozygotes.

Submissions (2):

Labcorp Genetics (formerly Invitae), Labcorp
Classification: Uncertain significance for Leber congenital amaurosis 1; Cone-rod dystrophy 6. Last evaluated: 2025-05-26. Review status: criteria provided, single submitter. Criteria: Invitae Variant Classification Sherloc (09022015). Collection method: clinical testing. Allele origin: germline.
Comment: This sequence change replaces serine, which is neutral and polar, with glycine, which is neutral and non-polar, at codon 1077 of the GUCY2D protein (p.Ser1077Gly). The frequency data for this variant in the population databases is considered unreliable, as metrics indicate poor data quality at this position in the gnomAD database. This variant has not been reported in the literature in individuals affected with GUCY2D-related conditions. ClinVar contains an entry for this variant (Variation ID: 1382682). Invitae Evidence Modeling of protein sequence and biophysical properties (such as structural, functional, and spatial information, amino acid conservation, physicochemical variation, residue mobility, and thermodynamic stability) indicates that this missense variant is not expected to disrupt GUCY2D protein function with a negative predictive value of 80%. In summary, the available evidence is currently insufficient to determine the role of this variant in disease. Therefore, it has been classified as a Variant of Uncertain Significance.

Ambry Genetics
Classification: Uncertain significance for Inborn genetic diseases. Last evaluated: 2024-02-17. Review status: criteria provided, single submitter. Criteria: Ambry Variant Classification Scheme 2023. Collection method: clinical testing. Allele origin: germline.

NM_000180.4(GUCY2D):c.3229A>G (p.Ser1077Gly)

Gene: GUCY2D (guanylate cyclase 2D, retinal; plus strand). Cytogenetic location: 17p13.1.
Variant type: single nucleotide variant.
Coding change: c.3229A>G on transcript NM_000180.4 (MANE Select); coding-DNA position 3229, A replaced by G.
Protein change: p.Ser1077Gly; replaces serine 1077 with glycine.
Molecular consequence: missense variant.
Genome position (GRCh38, 1-based): chr17:8,016,447, A>G. VCF-style: chr17-8016447-A-G. GRCh37 (hg19) VCF-style: chr17-7919765-A-G.
Other names: c.3229A>G (NM_000180.3); short protein forms S1077G.
Identifiers: ClinVar variation 1382682 (VCV001382682.7), dbSNP rs1249600456, ClinGen allele CA397956247.